The following is an entry in ClinVar:

ClinVar aggregate classification (germline): Benign. Review status: criteria provided, multiple submitters, no conflicts (2 of 4 stars). 9 submissions from 9 submitters: Benign (6). 3 of the submissions do not count toward it. Last evaluated 2026-02-04.

Conditions:
Congenital lactic acidosis, Saguenay-Lac-Saint-Jean type (MC4DN5). Also called: MITOCHONDRIAL COMPLEX IV DEFICIENCY, NUCLEAR TYPE 5; CYTOCHROME c OXIDASE DEFICIENCY, FRENCH CANADIAN TYPE; COX DEFICIENCY, FRENCH CANADIAN TYPE. Identifiers: Orphanet 70472, MedGen C1857355, MONDO:0009069, OMIM 220111.

Allele frequency attached by ClinVar (database versions not stated): 1000 Genomes Project 0.50399; 1000 Genomes Project 30x 0.51218; gnomAD exomes 0.61838; ExAC 0.62398; TOPMed 0.66501; gnomAD 0.67866 and 0.69341; ESP Exome Variant Server 0.72432.
gnomAD v4.1: 1,118,407 of 1,612,704 alleles (69%); highest among the groups gnomAD compares: Non-Finnish European, 74%; 401,561 homozygotes.

Submissions (9):

Labcorp Genetics (formerly Invitae), Labcorp
Classification: Benign. Last evaluated: 2026-02-04. Review status: criteria provided, single submitter. Criteria: Invitae Variant Classification Sherloc (09022015). Collection method: clinical testing. Allele origin: germline.

Blueprint Genetics
Classification: Benign. Last evaluated: 2024-11-26. Review status: criteria provided, single submitter. Criteria: ACMG Guidelines, 2015. Collection method: clinical testing. Allele origin: germline.

Genome-Nilou Lab
Classification: Benign for Congenital lactic acidosis, Saguenay-Lac-Saint-Jean type. Last evaluated: 2021-07-10. Review status: criteria provided, single submitter. Criteria: ACMG Guidelines, 2015. Collection method: clinical testing. Allele origin: germline. Affected: no.

Illumina Laboratory Services, Illumina
Classification: Benign for Congenital lactic acidosis, Saguenay-Lac-Saint-Jean type. Last evaluated: 2018-01-13. Review status: criteria provided, single submitter. Criteria: ICSL Variant Classification Criteria 13 December 2019. Collection method: clinical testing. Allele origin: germline.
Comment: This variant was observed in the ICSL laboratory as part of a predisposition screen in an ostensibly healthy population. It had not been previously curated by ICSL or reported in the Human Gene Mutation Database (HGMD: prior to June 1st, 2018), and was therefore a candidate for classification through an automated scoring system. Utilizing variant allele frequency, disease prevalence and penetrance estimates, and inheritance mode, an automated score was calculated to assess if this variant is too frequent to cause the disease. Based on the score and internal cut-off values, a variant classified as benign is not then subjected to further curation. The score for this variant resulted in a classification of benign for this disease.

GeneDx
Classification: Benign. Last evaluated: 2015-03-03. Review status: criteria provided, single submitter. Criteria: GeneDx Variant Classification Process June 2021. Collection method: clinical testing. Allele origin: germline. Affected: yes.

Breakthrough Genomics
Classification: Benign. Review status: criteria provided, single submitter. Criteria: ACMG Guidelines, 2015. Collection method: not provided. Allele origin: germline. Inheritance: Autosomal recessive inheritance. Affected: yes.

Natera, Inc.
Classification: Benign for French-Canadian type Leigh syndrome. Last evaluated: 2019-11-18. Review status: no assertion criteria provided. Collection method: clinical testing. Allele origin: germline. Not counted in ClinVar's aggregate classification.

Mayo Clinic Laboratories, Mayo Clinic
Classification: Benign. Last evaluated: 2016-02-16. Review status: no assertion criteria provided. Collection method: clinical testing. Allele origin: unknown. Not counted in ClinVar's aggregate classification.

Genetic Services Laboratory, University of Chicago
Classification: Likely benign for AllHighlyPenetrant. Review status: no assertion criteria provided. Collection method: clinical testing. Allele origin: germline. Inheritance: Autosomal recessive inheritance. Not counted in ClinVar's aggregate classification.
Comment: Likely benign based on allele frequency in 1000 Genomes Project or ESP global frequency and its presence in a patient with a rare or unrelated disease phenotype. NOT Sanger confirmed.

NM_133259.4(LRPPRC):c.246G>A (p.Gln82=)

Gene: LRPPRC (leucine rich pentatricopeptide repeat containing; minus strand). Cytogenetic location: 2p21.
Variant type: single nucleotide variant.
Coding change: c.246G>A on transcript NM_133259.4 (MANE Select); coding-DNA position 246, G replaced by A.
Protein change: p.Gln82=; no amino-acid change (glutamine 82 retained).
Molecular consequence: synonymous variant.
Genome position (GRCh38, 1-based): chr2:43,982,338, C>T on the plus strand (G>A on the coding strand, the complement: LRPPRC is on the minus strand). VCF-style: chr2-43982338-C-T. GRCh37 (hg19) VCF-style: chr2-44209477-C-T.
Identifiers: ClinVar variation 129548 (VCV000129548.31), dbSNP rs6741066, ClinGen allele CA153620.